The following is an entry in ClinVar:

NM_007118.4(TRIO):c.1573A>G (p.Thr525Ala)

Gene: TRIO (trio Rho guanine nucleotide exchange factor; plus strand). Cytogenetic location: 5p15.2.
Variant type: single nucleotide variant.
Coding change: c.1573A>G on transcript NM_007118.4 (MANE Select); coding-DNA position 1573, A replaced by G.
Protein change: p.Thr525Ala; replaces threonine 525 with alanine.
Molecular consequence: missense variant. On other transcripts: non-coding transcript variant (1).
Genome position (GRCh38, 1-based): chr5:14,316,585, A>G. VCF-style: chr5-14316585-A-G. GRCh37 (hg19) VCF-style: chr5-14316694-A-G.
Other names: short protein forms T525A.
Identifiers: ClinVar variation 3896513 (VCV003896513.2).

ClinVar aggregate classification (germline): Uncertain significance (1 of 4 stars; one submission).

Submission:

Women's Health and Genetics/Laboratory Corporation of America, LabCorp
Classification: Uncertain significance. Last evaluated: 2025-04-03. Review status: criteria provided, single submitter. Criteria: LabCorp Variant Classification Summary - May 2015. Collection method: clinical testing. Allele origin: germline.
Comment: Variant summary: TRIO c.1573A>G (p.Thr525Ala) results in a non-conservative amino acid change in the encoded protein sequence. Three of five in-silico tools predict a benign effect of the variant on protein function. The variant was absent in 251168 control chromosomes. The available data on variant occurrences in the general population are insufficient to allow any conclusion about variant significance. To our knowledge, no occurrence of c.1573A>G in individuals affected with TRIO-Related Intellectual Disability and no experimental evidence demonstrating its impact on protein function have been reported. No submitters have cited clinical-significance assessments for this variant to ClinVar. Based on the evidence outlined above, the variant was classified as uncertain significance.